The following is an entry in ClinVar:

ClinVar aggregate classification (germline): Uncertain significance (1 of 4 stars; one submission).

Conditions:
Werner syndrome (WRN). Identifiers: Orphanet 902, MedGen C0043119, MONDO:0010196, OMIM 277700.

Allele frequency attached by ClinVar (database versions not stated): gnomAD exomes 0.00001.
gnomAD v4.1: 8 of 1,610,996 alleles (0.0005%); highest among the groups gnomAD compares: Middle Eastern, 0.017%; no homozygotes.

Submission:

Labcorp Genetics (formerly Invitae), Labcorp
Classification: Uncertain significance for Werner syndrome. Last evaluated: 2024-03-06. Review status: criteria provided, single submitter. Criteria: Invitae Variant Classification Sherloc (09022015). Collection method: clinical testing. Allele origin: germline.
Comment: This sequence change replaces alanine, which is neutral and non-polar, with glutamic acid, which is acidic and polar, at codon 531 of the WRN protein (p.Ala531Glu). This variant is not present in population databases (gnomAD no frequency). This variant has not been reported in the literature in individuals affected with WRN-related conditions. ClinVar contains an entry for this variant (Variation ID: 661349). Algorithms developed to predict the effect of missense changes on protein structure and function output the following: SIFT: "Not Available"; PolyPhen-2: "Benign"; Align-GVGD: "Not Available". The glutamic acid amino acid residue is found in multiple mammalian species, which suggests that this missense change does not adversely affect protein function. In summary, the available evidence is currently insufficient to determine the role of this variant in disease. Therefore, it has been classified as a Variant of Uncertain Significance.

NM_000553.6(WRN):c.1592C>A (p.Ala531Glu)

Gene: WRN (WRN RecQ like helicase; plus strand). Cytogenetic location: 8p12.
Variant type: single nucleotide variant.
Coding change: c.1592C>A on transcript NM_000553.6 (MANE Select); coding-DNA position 1592, C replaced by A.
Protein change: p.Ala531Glu; replaces alanine 531 with glutamic acid.
Molecular consequence: missense variant.
Genome position (GRCh38, 1-based): chr8:31,088,905, C>A. VCF-style: chr8-31088905-C-A. GRCh37 (hg19) VCF-style: chr8-30946421-C-A.
Other names: short protein forms A531E.
Identifiers: ClinVar variation 661349 (VCV000661349.6), dbSNP rs1190792876, ClinGen allele CA370926106.
Genomic context (GRCh38, chr8:31,088,905, plus strand): 5'-TGTTTTTCTACTTGAACATAAATGCACATTTTATTTTATTTCCAGACTTTTTGTGGCCAG[C>A]ACCCAATGAAGAGCAAGTTACTTGCCTCAAGATGTACTTTGGCCATTCCAGTTTTAAACC-3'
Protein context (NP_000544.2, residues 521-541): EDDDKDFLWP[Ala531Glu]PNEEQVTCLK